The following is an entry in ClinVar:

NM_002863.5(PYGL):c.1463C>G (p.Thr488Ser)

Gene: PYGL (glycogen phosphorylase L; minus strand). Cytogenetic location: 14q22.1.
Variant type: single nucleotide variant.
Coding change: c.1463C>G on transcript NM_002863.5 (MANE Select); coding-DNA position 1463, C replaced by G.
Protein change: p.Thr488Ser; replaces threonine 488 with serine.
Molecular consequence: missense variant.
Genome position (GRCh38, 1-based): chr14:50,914,756, G>C on the plus strand (C>G on the coding strand, the complement: PYGL is on the minus strand). VCF-style: chr14-50914756-G-C. GRCh37 (hg19) VCF-style: chr14-51381474-G-C.
Other names: c.1361C>G, p.Thr454Ser (NM_001163940.2); short protein forms T488S, T454S.
Identifiers: ClinVar variation 1474471 (VCV001474471.6), dbSNP rs202149628, ClinGen allele CA260826186.

ClinVar aggregate classification (germline): Uncertain significance (1 of 4 stars; one submission).

Conditions:
Glycogen storage disease, type VI (GSD6). Also called: HERS DISEASE; PHOSPHORYLASE DEFICIENCY GLYCOGEN-STORAGE DISEASE OF LIVER; Glycogen storage disease type 6; Hepatic glycogen phosphorylase deficiency; Glycogen storage disease type 6, due to phosphorylation; GSD VI. Identifiers: Orphanet 369, MedGen C0017925, MONDO:0009294, OMIM 232700.

Allele frequency attached by ClinVar (database versions not stated): gnomAD 0.00001 and 0.00003; gnomAD exomes 0.00001; TOPMed 0.00002; 1000 Genomes Project 30x 0.00016; 1000 Genomes Project 0.00020.
gnomAD v4.1: 8 of 1,614,086 alleles (0.0005%); highest among the groups gnomAD compares: East Asian, 0.0067%; no homozygotes.

Submission:

Labcorp Genetics (formerly Invitae), Labcorp
Classification: Uncertain significance for Glycogen storage disease, type VI. Last evaluated: 2025-06-09. Review status: criteria provided, single submitter. Criteria: Invitae Variant Classification Sherloc (09022015). Collection method: clinical testing. Allele origin: germline.
Comment: This sequence change replaces threonine, which is neutral and polar, with serine, which is neutral and polar, at codon 488 of the PYGL protein (p.Thr488Ser). This variant is present in population databases (rs202149628, gnomAD 0.002%). This variant has not been reported in the literature in individuals affected with PYGL-related conditions. ClinVar contains an entry for this variant (Variation ID: 1474471). Invitae Evidence Modeling of protein sequence and biophysical properties (such as structural, functional, and spatial information, amino acid conservation, physicochemical variation, residue mobility, and thermodynamic stability) indicates that this missense variant is not expected to disrupt PYGL protein function with a negative predictive value of 80%. In summary, the available evidence is currently insufficient to determine the role of this variant in disease. Therefore, it has been classified as a Variant of Uncertain Significance.